The following is an entry in ClinVar:

NM_152703.5(SAMD9L):c.4537T>G (p.Trp1513Gly)

Gene: SAMD9L (sterile alpha motif domain containing 9 like; minus strand). Cytogenetic location: 7q21.2.
Variant type: single nucleotide variant.
Coding change: c.4537T>G on transcript NM_152703.5 (MANE Select); coding-DNA position 4537, T replaced by G.
Protein change: p.Trp1513Gly; replaces tryptophan 1513 with glycine.
Molecular consequence: missense variant.
Genome position (GRCh38, 1-based): chr7:93,131,435, A>C on the plus strand (T>G on the coding strand, the complement: SAMD9L is on the minus strand). VCF-style: chr7-93131435-A-C. GRCh37 (hg19) VCF-style: chr7-92760748-A-C.
Other names: c.4537T>G, p.Trp1513Gly (NM_001303496.3, NM_001303497.3, NM_001303498.3 and 5 more transcripts); short protein forms W1513G.
Identifiers: ClinVar variation 4717185 (VCV004717185.1).

ClinVar aggregate classification (germline): Uncertain significance (1 of 4 stars; one submission).

Submission:

Labcorp Genetics (formerly Invitae), Labcorp
Classification: Uncertain significance. Last evaluated: 2025-07-06. Review status: criteria provided, single submitter. Criteria: Invitae Variant Classification Sherloc (09022015). Collection method: clinical testing. Allele origin: germline.
Comment: This sequence change replaces tryptophan, which is neutral and slightly polar, with glycine, which is neutral and non-polar, at codon 1513 of the SAMD9L protein (p.Trp1513Gly). This variant is not present in population databases (gnomAD no frequency). This variant has not been reported in the literature in individuals affected with SAMD9L-related conditions. Invitae Evidence Modeling of protein sequence and biophysical properties (such as structural, functional, and spatial information, amino acid conservation, physicochemical variation, residue mobility, and thermodynamic stability) indicates that this missense variant is expected to disrupt SAMD9L protein function with a positive predictive value of 80%. In summary, the available evidence is currently insufficient to determine the role of this variant in disease. Therefore, it has been classified as a Variant of Uncertain Significance.